The following is an entry in ClinVar:

ClinVar aggregate classification (germline): Pathogenic/Likely pathogenic. Review status: criteria provided, multiple submitters, no conflicts (2 of 4 stars). 2 submissions from 2 submitters: Pathogenic (1); Likely pathogenic (1). Last evaluated 2020-10-28.

Conditions:
Muscular dystrophy. Identifiers: Orphanet 98473, MedGen C0026850, MeSH D009136, MONDO:0020121, HP:0003560.
Charcot-Marie-Tooth disease type 2. Also called: Charcot-Marie-Tooth type 2. Identifiers: Orphanet 64746, MedGen C0270914, MONDO:0018993.

Submissions (2):

Labcorp Genetics (formerly Invitae), Labcorp
Classification: Likely pathogenic for Charcot-Marie-Tooth disease type 2. Last evaluated: 2020-10-28. Review status: criteria provided, single submitter. Criteria: Invitae Variant Classification Sherloc (09022015). Collection method: clinical testing. Allele origin: germline.
Comment: In summary, the currently available evidence indicates that the variant is pathogenic, but additional data are needed to prove that conclusively. Therefore, this variant has been classified as Likely Pathogenic. This variant disrupts the p.Leu530 amino acid residue in LMNA. Other variant(s) that disrupt this residue have been determined to be pathogenic (PMID: 27034135, 27673727, 23427149, 11792810). This suggests that this residue is clinically significant, and that variants that disrupt this residue are likely to be disease-causing. Algorithms developed to predict the effect of missense changes on protein structure and function are either unavailable or do not agree on the potential impact of this missense change (SIFT: "Deleterious"; PolyPhen-2: "Probably Damaging"; Align-GVGD: "Class C15"). This variant has been observed in individual(s) with clinical features of autosomal dominant Emery-Dreifuss muscular dystrophy (PMID: 27461183, Invitae). In at least one individual the variant was observed to be de novo. ClinVar contains an entry for this variant (Variation ID: 435773). This variant is not present in population databases (ExAC no frequency). This sequence change replaces leucine with phenylalanine at codon 530 of the LMNA protein (p.Leu530Phe). The leucine residue is highly conserved and there is a small physicochemical difference between leucine and phenylalanine.

Genetic Services Laboratory, University of Chicago
Classification: Pathogenic for Muscular dystrophy. Last evaluated: 2013-02-08. Review status: criteria provided, single submitter. Criteria: ACMG Guidelines, 2007. Collection method: clinical testing. Allele origin: germline. Affected: yes.

Literature cited by the submitters: PubMed 27034135 (cited by Labcorp Genetics (formerly Invitae), Labcorp); PubMed 27673727 (cited by Labcorp Genetics (formerly Invitae), Labcorp); PubMed 23427149 (cited by Labcorp Genetics (formerly Invitae), Labcorp); PubMed 11792810 (cited by Labcorp Genetics (formerly Invitae), Labcorp); PubMed 27461183 (cited by Labcorp Genetics (formerly Invitae), Labcorp).

NM_170707.4(LMNA):c.1588C>T (p.Leu530Phe)

Gene: LMNA (lamin A/C; plus strand). Cytogenetic location: 1q22.
Variant type: single nucleotide variant.
Coding change: c.1588C>T on transcript NM_170707.4 (MANE Select); coding-DNA position 1588, C replaced by T.
Protein change: p.Leu530Phe; replaces leucine 530 with phenylalanine.
Molecular consequence: missense variant.
Genome position (GRCh38, 1-based): chr1:156,137,212, C>T. VCF-style: chr1-156137212-C-T. GRCh37 (hg19) VCF-style: chr1-156107003-C-T.
Other names: c.1252C>T, p.Leu418Phe (NM_001257374.3); c.1345C>T, p.Leu449Phe (NM_001282624.2); c.1588C>T, p.Leu530Phe (NM_001282625.2, NM_001282626.2, NM_005572.4 and 1 more transcripts); short protein forms L530F, L418F, L449F.
Identifiers: ClinVar variation 435773 (VCV000435773.13), dbSNP rs780302064, ClinGen allele CA342823527.
Genomic context (GRCh38, chr1:156,137,212, plus strand): 5'-ACCGACCTGGTGTGGAAGGCACAGAACACCTGGGGCTGCGGGAACAGCCTGCGTACGGCT[C>T]TCATCAACTCCACTGGGGAAGTAAGTAGGCCTGGGCCTGGCTGCTTGCTGGACGAGGCTC-3'
Protein context (NP_733821.1, residues 520-540): WGCGNSLRTA[Leu530Phe]INSTGEEVAM